The following is an entry in ClinVar:

NM_000098.3(CPT2):c.1598T>C (p.Val533Ala)

Gene: CPT2 (carnitine palmitoyltransferase 2; plus strand). Cytogenetic location: 1p32.3.
Variant type: single nucleotide variant.
Coding change: c.1598T>C on transcript NM_000098.3 (MANE Select); coding-DNA position 1598, T replaced by C.
Protein change: p.Val533Ala; replaces valine 533 with alanine.
Molecular consequence: missense variant. On other transcripts: intron variant (1).
Genome position (GRCh38, 1-based): chr1:53,211,272, T>C. VCF-style: chr1-53211272-T-C. GRCh37 (hg19) VCF-style: chr1-53676944-T-C.
Other names: p.V533A:GTT>GCT; c.1576+22T>C (NM_001330589.2); short protein forms V533A.
Identifiers: ClinVar variation 203657 (VCV000203657.19), dbSNP rs144703247, ClinGen allele CA312418.

ClinVar aggregate classification (germline): Conflicting classifications of pathogenicity. Review status: criteria provided, conflicting classifications (1 of 4 stars). 8 submissions from 8 submitters: Uncertain significance (1); Benign (2); Likely benign (4). 1 of the submissions does not count toward it. Last evaluated 2026-05-01.

Conditions:
CPT2-related disorder. Also called: CPT2-related condition.
Carnitine palmitoyltransferase II deficiency. Also called: Carnitine Palmitoyltransferase 2 Deficiency. Identifiers: Orphanet 157, MedGen C0342790, MONDO:0015515.

Allele frequency attached by ClinVar (database versions not stated): gnomAD exomes 0.00022 and 0.00048; ExAC 0.00074; TOPMed 0.00252; 1000 Genomes Project 0.00260; ESP Exome Variant Server 0.00277; 1000 Genomes Project 30x 0.00281.
gnomAD v4.1: 650 of 1,611,954 alleles (0.04%); highest among the groups gnomAD compares: African/African-American, 0.76%; 2 homozygotes.

Submissions (8):

CeGaT Center for Human Genetics Tuebingen
Classification: Likely benign. Last evaluated: 2026-05-01. Review status: criteria provided, single submitter. Criteria: CeGaT Center For Human Genetics Tuebingen Variant Classification Criteria Version 2. Collection method: clinical testing. Allele origin: germline. Affected: yes. Observed: 1 variant allele.
Comment: CPT2: BP4

Labcorp Genetics (formerly Invitae), Labcorp
Classification: Likely benign for Carnitine palmitoyltransferase II deficiency. Last evaluated: 2026-02-02. Review status: criteria provided, single submitter. Criteria: Invitae Variant Classification Sherloc (09022015). Collection method: clinical testing. Allele origin: germline.

Blueprint Genetics
Classification: Likely benign. Last evaluated: 2024-11-21. Review status: criteria provided, single submitter. Criteria: ACMG Guidelines, 2015. Collection method: clinical testing. Allele origin: germline.

ARUP Laboratories, Molecular Genetics and Genomics, ARUP Laboratories
Classification: Likely benign. Last evaluated: 2023-09-21. Review status: criteria provided, single submitter. Criteria: ARUP Molecular Germline Variant Investigation Process 2024. Collection method: clinical testing. Allele origin: germline.

Women's Health and Genetics/Laboratory Corporation of America, LabCorp
Classification: Uncertain significance. Last evaluated: 2022-03-03. Review status: criteria provided, single submitter. Criteria: LabCorp Variant Classification Summary - May 2015. Collection method: clinical testing. Allele origin: germline.
Comment: Variant summary: CPT2 c.1598T>C (p.Val533Ala) results in a non-conservative amino acid change located in the Choline/carnitine acyltransferase domain (IPR039551) of the encoded protein sequence. Four of five in-silico tools predict a benign effect of the variant on protein function. The variant allele was found at a frequency of 0.00048 in 245266 control chromosomes (gnomAD). This frequency is not higher than expected for a pathogenic variant in CPT2 causing Carnitine Palmitoyltransferase II Deficiency (0.00048 vs 0.0016), allowing no conclusion about variant significance. To our knowledge, no occurrence of c.1598T>C in individuals affected with Carnitine Palmitoyltransferase II Deficiency and no experimental evidence demonstrating its impact on protein function have been reported. Two clinical diagnostic laboratories have submitted clinical-significance assessments for this variant to ClinVar after 2014 and classified the variant as benign (n=1) and likely benign (n=1). Based on the evidence outlined above, the variant was classified as uncertain significance.

Athena Diagnostics
Classification: Benign. Last evaluated: 2019-06-26. Review status: criteria provided, single submitter. Criteria: Athena Diagnostics Criteria. Collection method: clinical testing. Allele origin: germline.

GeneDx
Classification: Benign. Last evaluated: 2014-09-11. Review status: criteria provided, single submitter. Criteria: GeneDx Variant Classification (06012015). Collection method: clinical testing. Allele origin: germline. Affected: yes.
Comment: This variant is considered likely benign or benign based on one or more of the following criteria: it is a conservative change, it occurs at a poorly conserved position in the protein, it is predicted to be benign by multiple in silico algorithms, and/or has population frequency not consistent with disease.

PreventionGenetics, part of Exact Sciences
Classification: Benign for CPT2-related condition. Last evaluated: 2019-05-03. Review status: no assertion criteria provided. Collection method: clinical testing. Allele origin: germline. Not counted in ClinVar's aggregate classification.
Comment: This variant is classified as benign based on ACMG/AMP sequence variant interpretation guidelines (Richards et al. 2015 PMID: 25741868, with internal and published modifications).